The following is an entry in ClinVar:

NM_001365951.3(KIF1B):c.5162A>G (p.His1721Arg)

Gene: KIF1B (kinesin family member 1B; plus strand). Cytogenetic location: 1p36.22.
Variant type: single nucleotide variant.
Coding change: c.5162A>G on transcript NM_001365951.3 (MANE Select); coding-DNA position 5162, A replaced by G.
Protein change: p.His1721Arg; replaces histidine 1721 with arginine.
Molecular consequence: missense variant.
Genome position (GRCh38, 1-based): chr1:10,374,919, A>G. VCF-style: chr1-10374919-A-G. GRCh37 (hg19) VCF-style: chr1-10434977-A-G.
Other names: c.5162A>G, p.His1721Arg (NM_001365952.1); c.5024A>G, p.His1675Arg (NM_015074.3); short protein forms H1675R, H1721R.
Identifiers: ClinVar variation 2625686 (VCV002625686.2), dbSNP rs2521982477, ClinGen allele CA338330622.

ClinVar aggregate classification (germline): Uncertain significance (1 of 4 stars; one submission).

Submission:

Ambry Genetics
Classification: Uncertain significance. Last evaluated: 2023-06-21. Review status: criteria provided, single submitter. Criteria: Ambry Variant Classification Scheme 2023. Collection method: clinical testing. Allele origin: germline.
Comment: The p.H1675R variant (also known as c.5024A>G), located in coding exon 44 of the KIF1B gene, results from an A to G substitution at nucleotide position 5024. The histidine at codon 1675 is replaced by arginine, an amino acid with highly similar properties. This amino acid position is conserved. In addition, this alteration is predicted to be tolerated by in silico analysis. Since supporting evidence is limited at this time, the clinical significance of this alteration remains unclear.